The following is an entry in ClinVar:

ClinVar aggregate classification (germline): Uncertain significance (1 of 4 stars; one submission).

Conditions:
Primary ciliary dyskinesia. Also called: Ciliary dyskinesia. Identifiers: Orphanet 244, MedGen C0008780, MONDO:0016575, HP:0012265.

Submission:

Labcorp Genetics (formerly Invitae), Labcorp
Classification: Uncertain significance for Primary ciliary dyskinesia. Last evaluated: 2026-01-18. Review status: criteria provided, single submitter. Criteria: Invitae Variant Classification Sherloc (09022015). Collection method: clinical testing. Allele origin: germline.
Comment: This sequence change replaces asparagine, which is neutral and polar, with histidine, which is basic and polar, at codon 719 of the DNAH11 protein (p.Asn719His). This variant is not present in population databases (gnomAD no frequency). This variant has not been reported in the literature in individuals affected with DNAH11-related conditions. Invitae Evidence Modeling of protein sequence and biophysical properties (such as structural, functional, and spatial information, amino acid conservation, physicochemical variation, residue mobility, and thermodynamic stability) indicates that this missense variant is not expected to disrupt DNAH11 protein function with a negative predictive value of 95%. In summary, the available evidence is currently insufficient to determine the role of this variant in disease. Therefore, it has been classified as a Variant of Uncertain Significance.

NM_001277115.2(DNAH11):c.2155A>C (p.Asn719His)

Gene: DNAH11 (dynein axonemal heavy chain 11; plus strand). Cytogenetic location: 7p15.3.
Variant type: single nucleotide variant.
Coding change: c.2155A>C on transcript NM_001277115.2 (MANE Select); coding-DNA position 2155, A replaced by C.
Protein change: p.Asn719His; replaces asparagine 719 with histidine.
Molecular consequence: missense variant.
Genome position (GRCh38, 1-based): chr7:21,589,389, A>C. VCF-style: chr7-21589389-A-C. GRCh37 (hg19) VCF-style: chr7-21629007-A-C.
Other names: short protein forms N719H.
Identifiers: ClinVar variation 4802458 (VCV004802458.1).